The following is an entry in ClinVar:

NM_004260.4(RECQL4):c.891C>T (p.Asp297=)

Gene: RECQL4 (RecQ like helicase 4; minus strand). Cytogenetic location: 8q24.3.
Variant type: single nucleotide variant.
Coding change: c.891C>T on transcript NM_004260.4 (MANE Select); coding-DNA position 891, C replaced by T.
Protein change: p.Asp297=; no amino-acid change (aspartic acid 297 retained).
Molecular consequence: synonymous variant.
Genome position (GRCh38, 1-based): chr8:144,516,228, G>A on the plus strand (C>T on the coding strand, the complement: RECQL4 is on the minus strand). VCF-style: chr8-144516228-G-A. GRCh37 (hg19) VCF-style: chr8-145741612-G-A.
Identifiers: ClinVar variation 94899 (VCV000094899.50), dbSNP rs34700133, ClinGen allele CA147897.
Genomic context (GRCh38, chr8:144,516,228, plus strand): 5'-GGGGTTCGATGGGCTGCTGCAGGGCTGAGGTGGCTGTGCCTGTACAGGTTCCCCTGGAGG[G>A]TCTTCCTCAACTGCTACAGCCCCAGCCCCCTCCGATGGGGGTCCAGCTTGGCTGCTCTCC-3'
Protein context (NP_004251.4, residues 287-307): EGAGAVAVEE[Asp297=]PPGEPVQAQP

ClinVar aggregate classification (germline): Benign/Likely benign. Review status: criteria provided, multiple submitters, no conflicts (2 of 4 stars). 11 submissions from 11 submitters: Benign (4); Likely benign (6). 1 of the submissions does not count toward it. Last evaluated 2026-02-03.

Conditions:
RECQL4-related disorder. Also called: RECQL4-related disorders; RECQL4-related condition.
Inborn genetic diseases. Identifiers: MedGen C0950123, MeSH D030342.
Hereditary cancer-predisposing syndrome. Also called: Tumor predisposition; Neoplastic Syndromes, Hereditary; Hereditary Cancer Syndrome; Hereditary neoplastic syndrome. Identifiers: Orphanet 140162, MedGen C0027672, MeSH D009386, MONDO:0015356.
Rapadilino syndrome. Identifiers: Orphanet 3021, MedGen C1849453, MONDO:0009955, OMIM 266280.
Baller-Gerold syndrome (BGS). Also called: CRANIOSYNOSTOSIS WITH RADIAL DEFECTS. Identifiers: Orphanet 1225, MedGen C0265308, MONDO:0009039, OMIM 218600.

Allele frequency attached by ClinVar (database versions not stated): gnomAD exomes 0.00022 and 0.00067; ExAC 0.00079; gnomAD 0.00211 and 0.00227; ESP Exome Variant Server 0.00219; TOPMed 0.00229; 1000 Genomes Project 0.00280; 1000 Genomes Project 30x 0.00281.
gnomAD v4.1: 651 of 1,613,116 alleles (0.04%); highest among the groups gnomAD compares: African/African-American, 0.7%; 3 homozygotes.

Submissions (11):

Labcorp Genetics (formerly Invitae), Labcorp
Classification: Benign for Baller-Gerold syndrome. Last evaluated: 2026-02-03. Review status: criteria provided, single submitter. Criteria: Invitae Variant Classification Sherloc (09022015). Collection method: clinical testing. Allele origin: germline.

KCCC/NGS Laboratory, Kuwait Cancer Control Center
Classification: Benign for Rapadilino syndrome. Last evaluated: 2025-02-01. Review status: criteria provided, single submitter. Criteria: ACMG Guidelines, 2015. Collection method: clinical testing. Allele origin: germline. Affected: no.

Ambry Genetics
Classification: Likely benign for Inborn genetic diseases. Last evaluated: 2024-10-02. Review status: criteria provided, single submitter. Criteria: Ambry Variant Classification Scheme 2023. Collection method: clinical testing. Allele origin: germline.

Blueprint Genetics
Classification: Likely benign. Last evaluated: 2024-08-06. Review status: criteria provided, single submitter. Criteria: ACMG Guidelines, 2015. Collection method: clinical testing. Allele origin: germline.

CeGaT Center for Human Genetics Tuebingen
Classification: Likely benign. Last evaluated: 2023-02-01. Review status: criteria provided, single submitter. Criteria: CeGaT Center For Human Genetics Tuebingen Variant Classification Criteria Version 2. Collection method: clinical testing. Allele origin: germline. Affected: yes. Observed: 1 variant allele.
Comment: RECQL4: BP4, BP7, BS2

Sema4
Classification: Likely benign for Hereditary cancer-predisposing syndrome. Last evaluated: 2021-05-29. Review status: criteria provided, single submitter. Criteria: Sema4 Curation Guidelines. Collection method: curation. Allele origin: germline.

Genetic Services Laboratory, University of Chicago
Classification: Benign. Last evaluated: 2021-05-03. Review status: criteria provided, single submitter. Criteria: ACMG Guidelines, 2015. Collection method: clinical testing. Allele origin: germline. Affected: no.

GeneDx
Classification: Likely benign. Last evaluated: 2021-03-18. Review status: criteria provided, single submitter. Criteria: GeneDx Variant Classification Process June 2021. Collection method: clinical testing. Allele origin: germline. Affected: yes.

Eurofins Ntd Llc (ga)
Classification: Benign. Last evaluated: 2013-07-26. Review status: criteria provided, single submitter. Criteria: EGL Classification Definitions 2015. Collection method: clinical testing. Allele origin: germline. Observed: 3 variant alleles, 3 heterozygotes.

Breakthrough Genomics
Classification: Likely benign. Review status: criteria provided, single submitter. Criteria: ACMG Guidelines, 2015. Collection method: not provided. Allele origin: germline. Inheritance: Autosomal recessive inheritance. Affected: yes.

PreventionGenetics, part of Exact Sciences
Classification: Benign for RECQL4-related condition. Last evaluated: 2019-09-16. Review status: no assertion criteria provided. Collection method: clinical testing. Allele origin: germline. Not counted in ClinVar's aggregate classification.
Comment: This variant is classified as benign based on ACMG/AMP sequence variant interpretation guidelines (Richards et al. 2015 PMID: 25741868, with internal and published modifications).